The following is an entry in ClinVar:

NM_001957.4(EDNRA):c.463G>A (p.Val155Ile)

Gene: EDNRA (endothelin receptor type A; plus strand). Cytogenetic location: 4q31.23.
Variant type: single nucleotide variant.
Coding change: c.463G>A on transcript NM_001957.4 (MANE Select); coding-DNA position 463, G replaced by A.
Protein change: p.Val155Ile; replaces valine 155 with isoleucine.
Molecular consequence: missense variant. On other transcripts: non-coding transcript variant (3), intron variant (1).
Genome position (GRCh38, 1-based): chr4:147,519,893, G>A. VCF-style: chr4-147519893-G-A. GRCh37 (hg19) VCF-style: chr4-148441045-G-A.
Other names: c.463G>A, p.Val155Ile (NM_001354797.2); c.421-15984G>A (NM_001166055.2); short protein forms V155I.
Identifiers: ClinVar variation 2461249 (VCV002461249.5), dbSNP rs200206289, ClinGen allele CA3097883.

ClinVar aggregate classification (germline): Uncertain significance. Review status: criteria provided, multiple submitters, no conflicts (2 of 4 stars). 2 submissions from 2 submitters: Uncertain significance (2). Last evaluated 2025-10-14.

Conditions:
Inborn genetic diseases. Identifiers: MedGen C0950123, MeSH D030342.

Allele frequency attached by ClinVar (database versions not stated): ExAC 0.00003; gnomAD 0.00006; TOPMed 0.00006.
gnomAD v4.1: 132 of 1,613,330 alleles (0.0082%); highest among the groups gnomAD compares: Non-Finnish European, 0.0094%; no homozygotes.

Submissions (2):

Ambry Genetics
Classification: Uncertain significance for Inborn genetic diseases. Last evaluated: 2025-10-14. Review status: criteria provided, single submitter. Criteria: Ambry Variant Classification Scheme 2023. Collection method: clinical testing. Allele origin: germline.

Labcorp Genetics (formerly Invitae), Labcorp
Classification: Uncertain significance. Last evaluated: 2024-03-28. Review status: criteria provided, single submitter. Criteria: Invitae Variant Classification Sherloc (09022015). Collection method: clinical testing. Allele origin: germline.
Comment: This sequence change replaces valine, which is neutral and non-polar, with isoleucine, which is neutral and non-polar, at codon 155 of the EDNRA protein (p.Val155Ile). This variant is present in population databases (rs200206289, gnomAD 0.009%). This variant has not been reported in the literature in individuals affected with EDNRA-related conditions. ClinVar contains an entry for this variant (Variation ID: 2461249). Advanced modeling of protein sequence and biophysical properties (such as structural, functional, and spatial information, amino acid conservation, physicochemical variation, residue mobility, and thermodynamic stability) performed at Invitae indicates that this missense variant is not expected to disrupt EDNRA protein function with a negative predictive value of 80%. In summary, the available evidence is currently insufficient to determine the role of this variant in disease. Therefore, it has been classified as a Variant of Uncertain Significance.